The following is an entry in ClinVar:

NM_005589.4(ALDH6A1):c.*2298G>A

Genes: ALDH6A1 (aldehyde dehydrogenase 6 family member A1; minus strand), BBOF1 (basal body orientation factor 1; plus strand). Cytogenetic location: 14q24.3.
Variant type: single nucleotide variant.
Coding change: c.*2298G>A on transcript NM_005589.4 (MANE Select); 2298 bases downstream of the stop codon, G replaced by A.
Molecular consequence: 3 prime UTR variant. On other transcripts: intron variant (1).
Genome position (GRCh38, 1-based): chr14:74,058,344, C>T on the plus strand (G>A on the coding strand, the complement: ALDH6A1 is on the minus strand). VCF-style: chr14-74058344-C-T. GRCh37 (hg19) VCF-style: chr14-74525047-C-T.
Other names: c.*2298G>A (NM_001278593.2, NM_001278594.2); c.1578+1086C>T (NM_025057.3).
Identifiers: ClinVar variation 884861 (VCV000884861.4), dbSNP rs76665287, ClinGen allele CA263533154.
Genomic context (GRCh38, chr14:74,058,344, plus strand): 5'-GCCACTGCACTCCACCCTGGGCAACAGAGCGAGACTCCATCTCAAAACAAAACAAAACAA[C>T]AACAAAAAAAATCACTACCAGTTGCCAGCTGTGATAAGAGCTAAAACAAGGGGTACTGTA-3'

ClinVar aggregate classification (germline): Benign (1 of 4 stars; one submission).

Conditions:
Methylmalonate semialdehyde dehydrogenase deficiency (MMSDHD). Also called: MMSDH DEFICIENCY. Identifiers: Orphanet 289307, MedGen C3279840, MONDO:0013579, OMIM 614105.

Allele frequency attached by ClinVar (database versions not stated): 1000 Genomes Project 0.00599; gnomAD 0.00757 and 0.00830; TOPMed 0.00794.

Submission:

Illumina Laboratory Services, Illumina
Classification: Benign for Methylmalonate semialdehyde dehydrogenase deficiency. Last evaluated: 2018-01-13. Review status: criteria provided, single submitter. Criteria: ICSL Variant Classification Criteria 13 December 2019. Collection method: clinical testing. Allele origin: germline.
Comment: This variant was observed in the ICSL laboratory as part of a predisposition screen in an ostensibly healthy population. It had not been previously curated by ICSL or reported in the Human Gene Mutation Database (HGMD: prior to June 1st, 2018), and was therefore a candidate for classification through an automated scoring system. Utilizing variant allele frequency, disease prevalence and penetrance estimates, and inheritance mode, an automated score was calculated to assess if this variant is too frequent to cause the disease. Based on the score and internal cut-off values, a variant classified as benign is not then subjected to further curation. The score for this variant resulted in a classification of benign for this disease.